The following is an entry in ClinVar:

NM_006303.4(AIMP2):c.94G>T (p.Gly32Cys)

Gene: AIMP2 (aminoacyl tRNA synthetase complex interacting multifunctional protein 2; plus strand). Cytogenetic location: 7p22.1.
Variant type: single nucleotide variant.
Coding change: c.94G>T on transcript NM_006303.4 (MANE Select); coding-DNA position 94, G replaced by T.
Protein change: p.Gly32Cys; replaces glycine 32 with cysteine.
Molecular consequence: missense variant. On other transcripts: 5 prime UTR variant (1), intron variant (3).
Genome position (GRCh38, 1-based): chr7:6,009,457, G>T. VCF-style: chr7-6009457-G-T. GRCh37 (hg19) VCF-style: chr7-6049088-G-T.
Other names: c.94G>T, p.Gly32Cys (NM_001326607.2); c.-227G>T (NM_001326609.2); c.-238+79G>T (NM_001326611.3); c.-251+79G>T (NM_001326610.2); c.15+79G>T (NM_001326606.2); short protein forms G32C.
Identifiers: ClinVar variation 1701518 (VCV001701518.31), dbSNP rs200362634, ClinGen allele CA4150199.

ClinVar aggregate classification (germline): Likely benign (1 of 4 stars; one submission).

Allele frequency attached by ClinVar (database versions not stated): 1000 Genomes Project 30x 0.00016.

Submission:

CeGaT Center for Human Genetics Tuebingen
Classification: Likely benign. Last evaluated: 2022-07-01. Review status: criteria provided, single submitter. Criteria: CeGaT Center For Human Genetics Tuebingen Variant Classification Criteria Version 2. Collection method: clinical testing. Allele origin: germline. Affected: yes. Observed: 1 variant allele.
Comment: AIMP2: BP4